The following is an entry in ClinVar:

ClinVar aggregate classification (germline): Uncertain significance (0 of 4 stars; one submission).

Conditions:
Autosomal dominant Parkinson disease 8. Also called: LRRK2-Related Parkinson Disease; Parkinson disease 8; Parkinson disease 8, susceptibility to. Identifiers: Orphanet 411602, MedGen C1846862, MONDO:0011764, OMIM 607060.

Allele frequency attached by ClinVar (database versions not stated): gnomAD exomes below 0.00001.

Submission:

GeneReviews
Classification: Uncertain significance for LRRK2-Related Parkinson Disease. Last evaluated: 2012-09-13. Review status: no assertion criteria provided. Collection method: curation. Allele origin: unknown.
ClinVar note: Converted during submission from unknown to Uncertain significance.

NM_198578.4(LRRK2):c.7468del (p.Gln2490fs)

Gene: LRRK2 (leucine rich repeat kinase 2; plus strand). Cytogenetic location: 12q12.
Variant type: Deletion.
Coding change: c.7468del on transcript NM_198578.4 (MANE Select); coding-DNA position 7468, one base deleted (C; older notation c.7468delC).
Protein change: p.Gln2490fs; shifts the reading frame from glutamine 2490.
Molecular consequence: frameshift variant.
Genome position (GRCh38, 1-based): chr12:40,367,649, C deleted. VCF-style (leftmost placement, unchanged base first): chr12-40367648-AC-A. GRCh37 (hg19) VCF-style: chr12-40761450-AC-A.
Other names: short protein forms Q2490fs.
Identifiers: ClinVar variation 39242 (VCV000039242.3), dbSNP rs281865058, ClinGen allele CA343694.
Genomic context (GRCh38, chr12:40,367,648, plus strand): 5'-TAAGAATGTTTTATGATGGATCTTTGAAACATGATTTCATTTTTTTCTTTTTCTAGAGAT[AC>A]AATCTTGCTTGACCGTTTGGGACATCAATCTTCCACATGAAGTGCAAAATTTAGAAAAAC-3'